The following is an entry in ClinVar:

ClinVar aggregate classification (germline): Uncertain significance (1 of 4 stars; one submission).

Allele frequency attached by ClinVar (database versions not stated): gnomAD exomes below 0.00001; TOPMed below 0.00001; ExAC 0.00001; gnomAD 0.00001.
gnomAD v4.1: 1 of 1,614,022 alleles (0.000062%); highest among the groups gnomAD compares: African/African-American, 0.0013%; no homozygotes.

Submission:

Labcorp Genetics (formerly Invitae), Labcorp
Classification: Uncertain significance. Last evaluated: 2024-04-05. Review status: criteria provided, single submitter. Criteria: Invitae Variant Classification Sherloc (09022015). Collection method: clinical testing. Allele origin: germline.
Comment: This sequence change replaces leucine, which is neutral and non-polar, with proline, which is neutral and non-polar, at codon 812 of the PDE6A protein (p.Leu812Pro). This variant is present in population databases (rs777373238, gnomAD 0.007%). This variant has not been reported in the literature in individuals affected with PDE6A-related conditions. ClinVar contains an entry for this variant (Variation ID: 966586). Advanced modeling of protein sequence and biophysical properties (such as structural, functional, and spatial information, amino acid conservation, physicochemical variation, residue mobility, and thermodynamic stability) performed at Invitae indicates that this missense variant is expected to disrupt PDE6A protein function with a positive predictive value of 80%. In summary, the available evidence is currently insufficient to determine the role of this variant in disease. Therefore, it has been classified as a Variant of Uncertain Significance.

NM_000440.3(PDE6A):c.2435T>C (p.Leu812Pro)

Gene: PDE6A (phosphodiesterase 6A; minus strand). Cytogenetic location: 5q32.
Variant type: single nucleotide variant.
Coding change: c.2435T>C on transcript NM_000440.3 (MANE Select); coding-DNA position 2435, T replaced by C.
Protein change: p.Leu812Pro; replaces leucine 812 with proline.
Molecular consequence: missense variant.
Genome position (GRCh38, 1-based): chr5:149,863,190, A>G on the plus strand (T>C on the coding strand, the complement: PDE6A is on the minus strand). VCF-style: chr5-149863190-A-G. GRCh37 (hg19) VCF-style: chr5-149242753-A-G.
Other names: short protein forms L812P.
Identifiers: ClinVar variation 966586 (VCV000966586.9), dbSNP rs777373238, ClinGen allele CA3504276.